The following is an entry in ClinVar:

NM_000516.7(GNAS):c.645C>T (p.Asp215=)

Gene: GNAS (GNAS complex locus; plus strand). Cytogenetic location: 20q13.32.
Variant type: single nucleotide variant.
Coding change: c.645C>T on transcript NM_000516.7 (MANE Select); coding-DNA position 645, C replaced by T.
Protein change: p.Asp215=; no amino-acid change (aspartic acid 215 retained).
Molecular consequence: synonymous variant. On other transcripts: 3 prime UTR variant (2).
Genome position (GRCh38, 1-based): chr20:58,909,409, C>T. VCF-style: chr20-58909409-C-T. GRCh37 (hg19) VCF-style: chr20-57484464-C-T.
Other names: c.648C>T, p.Asp216= (NM_001077488.5); c.600C>T, p.Asp200= (NM_001077489.4); c.*506C>T (NM_001077490.3); c.468C>T, p.Asp156= (NM_001309840.2, NM_001309861.2); c.549C>T, p.Asp183= (NM_001410912.1); c.2529C>T, p.Asp843= (NM_001410913.1); c.*551C>T (NM_016592.5); c.2574C>T, p.Asp858= (NM_080425.4); and 1 more.
Identifiers: ClinVar variation 3031666 (VCV003031666.2), dbSNP rs2146272286, ClinGen allele CA511086830.

ClinVar aggregate classification (germline): Uncertain significance (0 of 4 stars; one submission).

Conditions:
GNAS-related disorder. Identifiers: MedGen CN380105.

Submission:

PreventionGenetics, part of Exact Sciences
Classification: Uncertain significance for GNAS-related condition. Last evaluated: 2023-11-14. Review status: no assertion criteria provided. Collection method: clinical testing. Allele origin: germline.
Comment: The GNAS c.645C>T variant is not predicted to result in an amino acid change (p.=). To our knowledge, this variant has not been reported in the literature or in a large population database, indicating this variant is rare. At this time, the clinical significance of this variant is uncertain due to the absence of conclusive functional and genetic evidence.